The following is an entry in ClinVar:

ClinVar aggregate classification (germline): Uncertain significance (1 of 4 stars; one submission).

Conditions:
Inborn genetic diseases. Identifiers: MedGen C0950123, MeSH D030342.

Submission:

Ambry Genetics
Classification: Uncertain significance for Inborn genetic diseases. Last evaluated: 2025-02-08. Review status: criteria provided, single submitter. Criteria: Ambry Variant Classification Scheme 2023. Collection method: clinical testing. Allele origin: germline.
Comment: The p.D63E variant (also known as c.189C>G), located in coding exon 2 of the USB1 gene, results from a C to G substitution at nucleotide position 189. The aspartic acid at codon 63 is replaced by glutamic acid, an amino acid with highly similar properties. This amino acid position is conserved. In addition, this alteration is predicted to be tolerated by in silico analysis. Based on the available evidence, the clinical significance of this variant remains unclear.

NM_024598.4(USB1):c.189C>G (p.Asp63Glu)

Gene: USB1 (U6 snRNA biogenesis phosphodiesterase 1; plus strand). Cytogenetic location: 16q21.
Variant type: single nucleotide variant.
Coding change: c.189C>G on transcript NM_024598.4 (MANE Select); coding-DNA position 189, C replaced by G.
Protein change: p.Asp63Glu; replaces aspartic acid 63 with glutamic acid.
Molecular consequence: missense variant.
Genome position (GRCh38, 1-based): chr16:58,002,569, C>G. VCF-style: chr16-58002569-C-G. GRCh37 (hg19) VCF-style: chr16-58036473-C-G.
Other names: c.189C>G, p.Asp63Glu (NM_001195302.2, NM_001204911.2, NM_001330569.2); c.36C>G, p.Asp12Glu (NM_001330568.2); short protein forms D63E, D12E.
Identifiers: ClinVar variation 3813892 (VCV003813892.1).
Genomic context (GRCh38, chr16:58,002,569, plus strand): 5'-TCCAGTACCTGACAGTGTGCTGAACATGTTCCCGGGCACCGAGGAGGGGCCTGAAGATGA[C>G]AGCACAAAACACGGGGGACGGGTGCGCACCTTCCCCCACGAGCGAGGCAACTGGGCCACC-3'
Protein context (NP_078874.2, residues 53-73): FPGTEEGPED[Asp63Glu]STKHGGRVRT